The following is an entry in ClinVar:

NM_002529.4(NTRK1):c.253C>T (p.Arg85Cys)

Gene: NTRK1 (neurotrophic receptor tyrosine kinase 1; plus strand). Cytogenetic location: 1q23.1.
Variant type: single nucleotide variant.
Coding change: c.253C>T on transcript NM_002529.4 (MANE Select); coding-DNA position 253, C replaced by T.
Protein change: p.Arg85Cys; replaces arginine 85 with cysteine.
Molecular consequence: missense variant.
Genome position (GRCh38, 1-based): chr1:156,864,394, C>T. VCF-style: chr1-156864394-C-T. GRCh37 (hg19) VCF-style: chr1-156834186-C-T.
Other names: c.163C>T, p.Arg55Cys (NM_001007792.1); c.253C>T, p.Arg85Cys (NM_001012331.2); short protein forms R55C, R85C.
Identifiers: ClinVar variation 526721 (VCV000526721.10), dbSNP rs543320028, ClinGen allele CA1168866.

ClinVar aggregate classification (germline): Uncertain significance. Review status: criteria provided, multiple submitters, no conflicts (2 of 4 stars). 4 submissions from 4 submitters: Uncertain significance (3). 1 of the submissions does not count toward it. Last evaluated 2023-04-11.

Conditions:
Hereditary insensitivity to pain with anhidrosis (CIPA). Also called: INSENSITIVITY TO PAIN, CONGENITAL, WITH ANHIDROSIS; FAMILIAL DYSAUTONOMIA, TYPE II; NEUROPATHY, CONGENITAL SENSORY, WITH ANHIDROSIS; hereditary sensory and autonomic neuropathy type 4; NTRK1 Congenital Insensitivity to Pain with Anhidrosis; HSAN Type IV. Identifiers: Orphanet 642, MedGen C0020074, MONDO:0009746, OMIM 256800.
Inborn genetic diseases. Identifiers: MedGen C0950123, MeSH D030342.

Allele frequency attached by ClinVar (database versions not stated): TOPMed 0.00002; gnomAD 0.00003.
gnomAD v4.1: 38 of 1,614,062 alleles (0.0024%); highest among the groups gnomAD compares: East Asian, 0.0045%; no homozygotes.

Submissions (4):

Genome-Nilou Lab
Classification: Uncertain significance for Hereditary insensitivity to pain with anhidrosis. Last evaluated: 2023-04-11. Review status: criteria provided, single submitter. Criteria: ACMG Guidelines, 2015. Collection method: clinical testing. Allele origin: germline. Affected: no.

Ambry Genetics
Classification: Uncertain significance for Inborn genetic diseases. Last evaluated: 2022-12-19. Review status: criteria provided, single submitter. Criteria: Ambry Variant Classification Scheme 2023. Collection method: clinical testing. Allele origin: germline.

Labcorp Genetics (formerly Invitae), Labcorp
Classification: Uncertain significance for Hereditary insensitivity to pain with anhidrosis. Last evaluated: 2021-09-01. Review status: criteria provided, single submitter. Criteria: Invitae Variant Classification Sherloc (09022015). Collection method: clinical testing. Allele origin: germline.
Comment: This sequence change replaces arginine with cysteine at codon 85 of the NTRK1 protein (p.Arg85Cys). The arginine residue is weakly conserved and there is a large physicochemical difference between arginine and cysteine. This variant is present in population databases (rs543320028, ExAC 0.009%). This variant has not been reported in the literature in individuals affected with NTRK1-related conditions. Algorithms developed to predict the effect of missense changes on protein structure and function are either unavailable or do not agree on the potential impact of this missense change (SIFT: "Deleterious"; PolyPhen-2: "Benign"; Align-GVGD: "Class C0"). In summary, the available evidence is currently insufficient to determine the role of this variant in disease. Therefore, it has been classified as a Variant of Uncertain Significance.

Natera, Inc.
Classification: Uncertain significance for Hereditary insensitivity to pain with anhidrosis. Last evaluated: 2020-09-10. Review status: no assertion criteria provided. Collection method: clinical testing. Allele origin: germline. Not counted in ClinVar's aggregate classification.